The following is an entry in ClinVar:

NM_000466.3(PEX1):c.2480G>C (p.Arg827Pro)

Gene: PEX1 (peroxisomal biogenesis factor 1; minus strand). Cytogenetic location: 7q21.2.
Variant type: single nucleotide variant.
Coding change: c.2480G>C on transcript NM_000466.3 (MANE Select); coding-DNA position 2480, G replaced by C.
Protein change: p.Arg827Pro; replaces arginine 827 with proline.
Molecular consequence: missense variant.
Genome position (GRCh38, 1-based): chr7:92,501,610, C>G on the plus strand (G>C on the coding strand, the complement: PEX1 is on the minus strand). VCF-style: chr7-92501610-C-G. GRCh37 (hg19) VCF-style: chr7-92130924-C-G.
Other names: c.2309G>C, p.Arg770Pro (NM_001282677.2); c.1856G>C, p.Arg619Pro (NM_001282678.2); short protein forms R619P, R770P, R827P.
Identifiers: ClinVar variation 1027345 (VCV001027345.8), dbSNP rs752937649, ClinGen allele CA368175929.
Genomic context (GRCh38, chr7:92,501,610, plus strand): 5'-TCATGTAACCCACCAATCTTGTCCCAACCCAGGTCTCTAGGTTTATGCAGGTTGACACTT[C>G]GCAAAGACGCAGGAAGAAATCCGCGGAGAGCCTTTTGGAAGTCCAATGTTGTTAAAACTA-3'
Protein context (NP_000457.1, residues 817-837): ALRGFLPASL[Arg827Pro]SVNLHKPRDL

ClinVar aggregate classification (germline): Uncertain significance (1 of 4 stars; one submission).

Conditions:
Zellweger spectrum disorders (ZS). Also called: Zellweger syndrome; Zellweger Spectrum Disorder (ZSD); Zellweger Spectrum Disorder; Zellweger Spectrum. Identifiers: Orphanet 912, MedGen C0043459, MONDO:0019609.

gnomAD v4.1: 2 of 1,613,862 alleles (0.00012%); highest among the groups gnomAD compares: Admixed American, 0.0017%; no homozygotes.

Submission:

Labcorp Genetics (formerly Invitae), Labcorp
Classification: Uncertain significance for Zellweger spectrum disorders. Last evaluated: 2023-08-04. Review status: criteria provided, single submitter. Criteria: Invitae Variant Classification Sherloc (09022015). Collection method: clinical testing. Allele origin: germline.
Comment: In summary, the available evidence is currently insufficient to determine the role of this variant in disease. Therefore, it has been classified as a Variant of Uncertain Significance. Advanced modeling of protein sequence and biophysical properties (such as structural, functional, and spatial information, amino acid conservation, physicochemical variation, residue mobility, and thermodynamic stability) performed at Invitae indicates that this missense variant is expected to disrupt PEX1 protein function. ClinVar contains an entry for this variant (Variation ID: 1027345). This variant has not been reported in the literature in individuals affected with PEX1-related conditions. This variant is not present in population databases (gnomAD no frequency). This sequence change replaces arginine, which is basic and polar, with proline, which is neutral and non-polar, at codon 827 of the PEX1 protein (p.Arg827Pro).